The following is an entry in ClinVar:

ClinVar aggregate classification (germline): Likely benign (1 of 4 stars; one submission).

Allele frequency attached by ClinVar (database versions not stated): 1000 Genomes Project 30x 0.00344; 1000 Genomes Project 0.00359; gnomAD 0.00370; TOPMed 0.00413; ESP Exome Variant Server 0.00460.
gnomAD v4.1: 938 of 1,179,240 alleles (0.08%); highest among the groups gnomAD compares: African/African-American, 1.3%; 5 homozygotes.

Submission:

GeneDx
Classification: Likely benign. Last evaluated: 2022-02-08. Review status: criteria provided, single submitter. Criteria: GeneDx Variant Classification Process June 2021. Collection method: clinical testing. Allele origin: germline. Affected: yes.
Comment: See Variant Classification Assertion Criteria.

NM_021629.4(GNB4):c.431-60C>T

Gene: GNB4 (G protein subunit beta 4; minus strand). Cytogenetic location: 3q26.33.
Variant type: single nucleotide variant.
Coding change: c.431-60C>T on transcript NM_021629.4 (MANE Select); 60 bases into the intron before coding-DNA position 431, C replaced by T.
Molecular consequence: intron variant.
Genome position (GRCh38, 1-based): chr3:179,413,841, G>A on the plus strand (C>T on the coding strand, the complement: GNB4 is on the minus strand). VCF-style: chr3-179413841-G-A. GRCh37 (hg19) VCF-style: chr3-179131629-G-A.
Identifiers: ClinVar variation 1706279 (VCV001706279.2), dbSNP rs116386416, ClinGen allele CA88745773.